The following is an entry in ClinVar:

ClinVar aggregate classification (germline): Benign. Review status: criteria provided, single submitter (1 of 4 stars). 2 submissions from 2 submitters: Benign (1). 1 of the submissions does not count toward it. Last evaluated 2025-02-06.

Conditions:
PLXNA1-related disorder. Also called: PLXNA1-related condition.

Allele frequency attached by ClinVar (database versions not stated): ESP Exome Variant Server 0.00015; 1000 Genomes Project 30x 0.00156; TOPMed 0.00004; 1000 Genomes Project 0.00140.
gnomAD v4.1: 645 of 1,573,680 alleles (0.041%); highest among the groups gnomAD compares: South Asian, 0.73%; 4 homozygotes.

Submissions (2):

Labcorp Genetics (formerly Invitae), Labcorp
Classification: Benign. Last evaluated: 2025-02-06. Review status: criteria provided, single submitter. Criteria: Invitae Variant Classification Sherloc (09022015). Collection method: clinical testing. Allele origin: germline.

PreventionGenetics, part of Exact Sciences
Classification: Likely benign for PLXNA1-related condition. Last evaluated: 2019-05-23. Review status: no assertion criteria provided. Collection method: clinical testing. Allele origin: germline. Not counted in ClinVar's aggregate classification.
Comment: This variant is classified as likely benign based on ACMG/AMP sequence variant interpretation guidelines (Richards et al. 2015 PMID: 25741868, with internal and published modifications).

NM_032242.4(PLXNA1):c.118C>G (p.Pro40Ala)

Gene: PLXNA1 (plexin A1; plus strand). Cytogenetic location: 3q21.3.
Variant type: single nucleotide variant.
Coding change: c.118C>G on transcript NM_032242.4 (MANE Select); coding-DNA position 118, C replaced by G.
Protein change: p.Pro40Ala; replaces proline 40 with alanine.
Molecular consequence: missense variant.
Genome position (GRCh38, 1-based): chr3:126,988,711, C>G. VCF-style: chr3-126988711-C-G. GRCh37 (hg19) VCF-style: chr3-126707554-C-G.
Other names: short protein forms P40A.
Identifiers: ClinVar variation 3039386 (VCV003039386.4), dbSNP rs372314843, ClinGen allele CA2592909.
Genomic context (GRCh38, chr3:126,988,711, plus strand): 5'-CTGCTGCCGGGCATGTGGGCTGAGGCAGGCTTGCCCAGGGCAGGCGGGGGTTCACAGCCC[C>G]CCTTCCGCACCTTCTCGGCCAGCGACTGGGGCCTCACCCACCTAGTGGTGCATGAGCAGA-3'
Protein context (NP_115618.3, residues 30-50): LPRAGGGSQP[Pro40Ala]FRTFSASDWG